The following is an entry in ClinVar:

ClinVar aggregate classification (germline): Likely benign (1 of 4 stars; one submission).

gnomAD v4.1: 65 of 1,606,302 alleles (0.004%); highest among the groups gnomAD compares: African/African-American, 0.07%; no homozygotes.

Submission:

CeGaT Center for Human Genetics Tuebingen
Classification: Likely benign. Last evaluated: 2024-11-01. Review status: criteria provided, single submitter. Criteria: CeGaT Center For Human Genetics Tuebingen Variant Classification Criteria Version 2. Collection method: clinical testing. Allele origin: germline. Affected: yes. Observed: 1 variant allele.
Comment: VPS13C: BP4, BP7

NM_020821.3(VPS13C):c.318C>T (p.Ser106=)

Gene: VPS13C (vacuolar protein sorting 13 homolog C; minus strand). Cytogenetic location: 15q22.2.
Variant type: single nucleotide variant.
Coding change: c.318C>T on transcript NM_020821.3 (MANE Select); coding-DNA position 318, C replaced by T.
Protein change: p.Ser106=; no amino-acid change (serine 106 retained).
Molecular consequence: synonymous variant.
Genome position (GRCh38, 1-based): chr15:62,033,508, G>A on the plus strand (C>T on the coding strand, the complement: VPS13C is on the minus strand). VCF-style: chr15-62033508-G-A. GRCh37 (hg19) VCF-style: chr15-62325707-G-A.
Other names: c.318C>T, p.Ser106= (NM_001018088.3, NM_017684.5, NM_018080.4).
Identifiers: ClinVar variation 3388607 (VCV003388607.14).
Genomic context (GRCh38, chr15:62,033,508, plus strand): 5'-TGCTGCTTTTTGAAGGGCTTCTTCAATTCGGGATAGCTCTTTCTGTTTAACATCCTGCAA[G>A]GATTTTTCTTCTTTTACAGCATCATACTTAATACCTAAAAATATACAGTCAATTCACACA-3'
Protein context (NP_065872.1, residues 96-116): IKYDAVKEEK[Ser106=]LQDVKQKELS